The following is an entry in ClinVar:

NM_000518.5(HBB):c.316-238C>T

Genes: HBB (hemoglobin subunit beta; minus strand), LOC107133510 (origin of replication at HBB; plus strand), LOC110006319 (beta-globin gene 3' regulatory region; plus strand). Cytogenetic location: 11p15.4.
Variant type: single nucleotide variant.
Coding change: c.316-238C>T on transcript NM_000518.5 (MANE Select); 238 bases into the intron before coding-DNA position 316, C replaced by T.
Molecular consequence: intron variant.
Genome position (GRCh38, 1-based): chr11:5,225,964, G>A on the plus strand (C>T on the coding strand, the complement: HBB is on the minus strand). VCF-style: chr11-5225964-G-A. GRCh37 (hg19) VCF-style: chr11-5247194-G-A.
Other names: IVS-II-613 C>T.
Identifiers: ClinVar variation 256347 (VCV000256347.28), dbSNP rs558554234, ClinGen allele CA10587128.

ClinVar aggregate classification (germline): Benign/Likely benign. Review status: criteria provided, multiple submitters, no conflicts (2 of 4 stars). 5 submissions from 5 submitters: Benign (1); Likely benign (3). 1 of the submissions does not count toward it. Last evaluated 2026-01-28.

Conditions:
beta Thalassemia (BTHAL). Also called: Cooley's anemia; Erythroblastic anemia; Mediterranean anemia. Identifiers: Orphanet 848, MedGen C0005283, MONDO:0019402. Disease mechanism: loss of function.

Allele frequency attached by ClinVar (database versions not stated): gnomAD 0.00001 and 0.00054; TOPMed 0.00012; 1000 Genomes Project 0.00399; 1000 Genomes Project 30x 0.00422.
gnomAD v4.1: 80 of 152,242 alleles (0.053%); highest among the groups gnomAD compares: South Asian, 1.6%; 2 homozygotes.

Submissions (5):

Labcorp Genetics (formerly Invitae), Labcorp
Classification: Likely benign. Last evaluated: 2026-01-28. Review status: criteria provided, single submitter. Criteria: Invitae Variant Classification Sherloc (09022015). Collection method: clinical testing. Allele origin: germline.

Women's Health and Genetics/Laboratory Corporation of America, LabCorp
Classification: Benign. Last evaluated: 2026-01-26. Review status: criteria provided, single submitter. Criteria: LabCorp Variant Classification Summary - May 2015. Collection method: clinical testing. Allele origin: germline.
Comment: Variant summary: HBB c.316-238C>T is located at a position not widely known to affect splicing. Consensus agreement among computation tools predicts no significant impact on normal splicing. However, these predictions have yet to be confirmed by functional studies. The variant allele was found at a frequency of 0.00053 in 151036 control chromosomes, predominantly at a frequency of 0.016 within the South Asian subpopulation in the gnomAD database, including 2 homozygotes. The observed variant frequency within South Asian control individuals in the gnomAD database exceeds the estimated maximal expected allele frequency for disease-causing variants in HBB. The variant, c.316-238C>T, has been observed in cohorts of individuals affected with Beta Thalassemia (e.g. Sjahi_2003, Edison_2008, Nadkarni_2009, Colah_2009, Ozlap_2024). These data do not allow any conclusion about variant significance. To our knowledge, no experimental evidence demonstrating an impact on protein function has been reported. The following publications have been ascertained in the context of this evaluation (PMID: 12709369, 38708170, 18294253, 19254853, 19205975). ClinVar contains an entry for this variant (Variation ID: 256347). Based on the evidence outlined above, the variant was classified as benign.

ARUP Laboratories, Molecular Genetics and Genomics, ARUP Laboratories
Classification: Likely benign. Last evaluated: 2025-05-12. Review status: criteria provided, single submitter. Criteria: ARUP Molecular Germline Variant Investigation Process 2024. Collection method: clinical testing. Allele origin: germline.

PreventionGenetics, part of Exact Sciences
Classification: Likely benign. Review status: criteria provided, single submitter. Criteria: ACMG Guidelines, 2015. Collection method: clinical testing. Allele origin: germline.

Hb Lab, Kinderklinik Ulm, University Hospital Ulm
Classification: Pathogenic for Beta-thalassemia HBB/LCRB. Last evaluated: 2018-03-08. Review status: no assertion criteria provided. Collection method: literature only. Allele origin: unknown. Inheritance: Autosomal recessive inheritance. Affected: yes. Observed: 2 variant alleles, 1 heterozygote, 1 compound heterozygote. Not counted in ClinVar's aggregate classification.
Comment: Rare thalassemic variant that could cause severe Thalassemia (Major or intermedia) when associated with other more common beta0 thalassemic alleles.

Literature cited by the submitters: PubMed 12709369 (cited by Women's Health and Genetics/Laboratory Corporation of America, LabCorp); PubMed 18294253 (cited by Women's Health and Genetics/Laboratory Corporation of America, LabCorp); PubMed 19254853 (cited by Women's Health and Genetics/Laboratory Corporation of America, LabCorp); PubMed 19205975 (cited by Women's Health and Genetics/Laboratory Corporation of America, LabCorp); PubMed 38708170 (cited by Women's Health and Genetics/Laboratory Corporation of America, LabCorp); PMC 3237256 (cited by Hb Lab, Kinderklinik Ulm, University Hospital Ulm); DOI 10.1080/03630260802626012 (cited by Hb Lab, Kinderklinik Ulm, University Hospital Ulm).